The following is an entry in ClinVar:

ClinVar aggregate classification (germline): Uncertain significance. Review status: criteria provided, multiple submitters, no conflicts (2 of 4 stars). 2 submissions from 2 submitters: Uncertain significance (2). Last evaluated 2024-04-30.

Conditions:
Donnai-Barrow syndrome. Also called: DBS/FOAR SYNDROME; FACIOOCULOACOUSTICORENAL SYNDROME. Identifiers: Orphanet 2143, MedGen C1857277, MONDO:0009104, OMIM 222448.

Allele frequency attached by ClinVar (database versions not stated): TOPMed below 0.00001; gnomAD 0.00001; gnomAD exomes 0.00001; ExAC 0.00002.
gnomAD v4.1: 4 of 1,614,032 alleles (0.00025%); highest among the groups gnomAD compares: Admixed American, 0.0033%; no homozygotes.

Submissions (2):

Fulgent Genetics
Classification: Uncertain significance for Donnai-Barrow syndrome. Last evaluated: 2024-04-30. Review status: criteria provided, single submitter. Criteria: ACMG Guidelines, 2015. Collection method: clinical testing. Allele origin: germline.

Labcorp Genetics (formerly Invitae), Labcorp
Classification: Uncertain significance. Last evaluated: 2021-11-15. Review status: criteria provided, single submitter. Criteria: Invitae Variant Classification Sherloc (09022015). Collection method: clinical testing. Allele origin: germline.
Comment: This sequence change replaces glycine, which is neutral and non-polar, with serine, which is neutral and polar, at codon 2238 of the LRP2 protein (p.Gly2238Ser). This variant is present in population databases (rs764132183, gnomAD 0.003%). This variant has not been reported in the literature in individuals affected with LRP2-related conditions. Algorithms developed to predict the effect of missense changes on protein structure and function are either unavailable or do not agree on the potential impact of this missense change (SIFT: "Tolerated"; PolyPhen-2: "Probably Damaging"; Align-GVGD: "Class C0"). In summary, the available evidence is currently insufficient to determine the role of this variant in disease. Therefore, it has been classified as a Variant of Uncertain Significance.

NM_004525.3(LRP2):c.6712G>A (p.Gly2238Ser)

Gene: LRP2 (LDL receptor related protein 2; minus strand). Cytogenetic location: 2q31.1.
Variant type: single nucleotide variant.
Coding change: c.6712G>A on transcript NM_004525.3 (MANE Select); coding-DNA position 6712, G replaced by A.
Protein change: p.Gly2238Ser; replaces glycine 2238 with serine.
Molecular consequence: missense variant.
Genome position (GRCh38, 1-based): chr2:169,207,008, C>T on the plus strand (G>A on the coding strand, the complement: LRP2 is on the minus strand). VCF-style: chr2-169207008-C-T. GRCh37 (hg19) VCF-style: chr2-170063518-C-T.
Other names: short protein forms G2238S.
Identifiers: ClinVar variation 1476657 (VCV001476657.4), dbSNP rs764132183, ClinGen allele CA1954232.